The following is an entry in ClinVar:

ClinVar aggregate classification (germline): Likely pathogenic. Review status: criteria provided, multiple submitters, no conflicts (2 of 4 stars). 4 submissions from 4 submitters: Likely pathogenic (4). Last evaluated 2026-05-15.

Conditions:
Familial aortopathy. Identifiers: MedGen CN078214.
Aortic aneurysm, familial thoracic 6 (AAT6). Also called: FAMILIAL THORACIC AORTIC ANEURYSM WITH LIVEDO RETICULARIS AND IRIS FLOCCULI. Identifiers: MedGen C2673186, MONDO:0012730, OMIM 611788.
ACTA2-related disorder. Also called: ACTA2-related condition; ACTA2-related disorders.
Familial thoracic aortic aneurysm and aortic dissection (TAAD). Also called: Thoracic aortic aneurysms and dissections. Identifiers: Orphanet 91387, MedGen C4707243, MONDO:0019625.

Submissions (4):

Women's Health and Genetics/Laboratory Corporation of America, LabCorp
Classification: Likely pathogenic for Familial aortopathy. Last evaluated: 2026-05-15. Review status: criteria provided, single submitter. Criteria: LabCorp Variant Classification Summary - May 2015. Collection method: clinical testing. Allele origin: germline.
Comment: Variant summary: ACTA2 c.146T>C (p.Met49Thr) results in a non-conservative amino acid change in the encoded protein sequence. Algorithms developed to predict the effect of missense changes on protein structure and function all suggest that this variant is likely to be disruptive. The variant was absent in 251134 control chromosomes. c.146T>C has been observed in individuals affected with ACTA2-related conditions (Pepin_2025, internal data). These data indicate that the variant may be associated with disease. To our knowledge, no experimental evidence demonstrating an impact on protein function has been reported. A different variant affecting the same codon has been classified as likely pathogenic (c.145A>G, p.Met49Val), supporting the critical relevance of codon 49 to ACTA2 protein function. The following publication has been ascertained in the context of this evaluation (PMID: 41021763). ClinVar contains an entry for this variant (Variation ID: 519576). Based on the evidence outlined above, the variant was classified as likely pathogenic.

Blueprint Genetics
Classification: Likely pathogenic for ACTA2-related disorders. Last evaluated: 2024-10-21. Review status: criteria provided, single submitter. Criteria: ACMG Guidelines, 2015. Collection method: clinical testing. Allele origin: germline. Affected: yes. Observed: 5 variant alleles.

Labcorp Genetics (formerly Invitae), Labcorp
Classification: Likely pathogenic for Aortic aneurysm, familial thoracic 6. Last evaluated: 2023-09-29. Review status: criteria provided, single submitter. Criteria: Invitae Variant Classification Sherloc (09022015). Collection method: clinical testing. Allele origin: germline.
Comment: In summary, the currently available evidence indicates that the variant is pathogenic, but additional data are needed to prove that conclusively. Therefore, this variant has been classified as Likely Pathogenic. This variant disrupts the p.Met49 amino acid residue in ACTA2. Other variant(s) that disrupt this residue have been observed in individuals with ACTA2-related conditions (PMID: 21248741), which suggests that this may be a clinically significant amino acid residue. Advanced modeling of protein sequence and biophysical properties (such as structural, functional, and spatial information, amino acid conservation, physicochemical variation, residue mobility, and thermodynamic stability) performed at Invitae indicates that this missense variant is not expected to disrupt ACTA2 protein function. ClinVar contains an entry for this variant (Variation ID: 519576). This missense change has been observed in individuals with clinical features of ACTA2-related conditions (Invitae). It has also been observed to segregate with disease in related individuals. This variant is not present in population databases (gnomAD no frequency). This sequence change replaces methionine, which is neutral and non-polar, with threonine, which is neutral and polar, at codon 49 of the ACTA2 protein (p.Met49Thr).

Ambry Genetics
Classification: Likely pathogenic for Familial thoracic aortic aneurysm and aortic dissection. Last evaluated: 2022-10-18. Review status: criteria provided, single submitter. Criteria: Ambry Variant Classification Scheme 2023. Collection method: clinical testing. Allele origin: germline.
Comment: The p.M49T variant (also known as c.146T>C), located in coding exon 2 of the ACTA2 gene, results from a T to C substitution at nucleotide position 146. The methionine at codon 49 is replaced by threonine, an amino acid with some similar properties. This alteration has been observed in at least one individual with a personal and/or family history of aortic aneurysm/dissection (Ambry internal data). Another alteration affecting the same amino acid, p.M49V (c.145A>G), has been reported in association with ACTA2-related phenotypes (Hoffjan S, Eur. J. Hum. Genet. 2011 May; 19(5):520-4). This missense alteration is located in a region that has a low rate of benign missense variation (Lek M et al. Nature. 2016 Aug 18;536(7616):285-91; DECIPHER: Database of Chromosomal Imbalance and Phenotype in Humans using Ensembl Resources. Firth H.V. et al. 2009. Am.J.Hum.Genet. 84, 524-533 (DOI)). This amino acid position is highly conserved in available vertebrate species. In addition, this alteration is predicted to be deleterious by in silico analysis. Based on the majority of available evidence to date, this variant is likely to be pathogenic.

Literature cited by the submitters: PubMed 41021763 (cited by Women's Health and Genetics/Laboratory Corporation of America, LabCorp); PubMed 21248741 (cited by Labcorp Genetics (formerly Invitae), Labcorp).

NM_001613.4(ACTA2):c.146T>C (p.Met49Thr)

Gene: ACTA2 (actin alpha 2, smooth muscle; minus strand). Cytogenetic location: 10q23.31.
Variant type: single nucleotide variant.
Coding change: c.146T>C on transcript NM_001613.4 (MANE Select); coding-DNA position 146, T replaced by C.
Protein change: p.Met49Thr; replaces methionine 49 with threonine.
Molecular consequence: missense variant.
Genome position (GRCh38, 1-based): chr10:88,947,370, A>G on the plus strand (T>C on the coding strand, the complement: ACTA2 is on the minus strand). VCF-style: chr10-88947370-A-G. GRCh37 (hg19) VCF-style: chr10-90707127-A-G.
Other names: c.146T>C, p.Met49Thr (NM_001141945.3, NM_001320855.2, NM_001406462.1 and 4 more transcripts); short protein forms M49T.
Identifiers: ClinVar variation 519576 (VCV000519576.14), dbSNP rs869025352, ClinGen allele CA377513533.